The following is an entry in ClinVar:

ClinVar aggregate classification (germline): Likely benign. Review status: criteria provided, multiple submitters, no conflicts (2 of 4 stars). 3 submissions from 3 submitters: Likely benign (2). 1 of the submissions does not count toward it. Last evaluated 2023-04-01.

Conditions:
CPZ-related disorder. Also called: CPZ-related condition.

Allele frequency attached by ClinVar (database versions not stated): 1000 Genomes Project 30x 0.00016; ExAC 0.00016; gnomAD exomes 0.00018; ESP Exome Variant Server 0.00062; gnomAD 0.00070 and 0.00076; TOPMed 0.00079.
gnomAD v4.1: 195 of 1,508,200 alleles (0.013%); highest among the groups gnomAD compares: African/African-American, 0.22%; no homozygotes.

Submissions (3):

CeGaT Center for Human Genetics Tuebingen
Classification: Likely benign. Last evaluated: 2023-04-01. Review status: criteria provided, single submitter. Criteria: CeGaT Center For Human Genetics Tuebingen Variant Classification Criteria Version 2. Collection method: clinical testing. Allele origin: germline. Affected: yes. Observed: 1 variant allele.
Comment: CPZ: BP4, BP7

Labcorp Genetics (formerly Invitae), Labcorp
Classification: Likely benign. Last evaluated: 2018-04-10. Review status: criteria provided, single submitter. Criteria: Invitae Variant Classification Sherloc (09022015). Collection method: clinical testing. Allele origin: germline.

PreventionGenetics, part of Exact Sciences
Classification: Likely benign for CPZ-related condition. Last evaluated: 2022-10-27. Review status: no assertion criteria provided. Collection method: clinical testing. Allele origin: germline. Not counted in ClinVar's aggregate classification.
Comment: This variant is classified as likely benign based on ACMG/AMP sequence variant interpretation guidelines (Richards et al. 2015 PMID: 25741868, with internal and published modifications).

NM_001014447.3(CPZ):c.1941C>G (p.Arg647=)

Gene: CPZ (carboxypeptidase Z; plus strand). Cytogenetic location: 4p16.1.
Variant type: single nucleotide variant.
Coding change: c.1941C>G on transcript NM_001014447.3 (MANE Select); coding-DNA position 1941, C replaced by G.
Protein change: p.Arg647=; no amino-acid change (arginine 647 retained).
Molecular consequence: synonymous variant.
Genome position (GRCh38, 1-based): chr4:8,619,599, C>G. VCF-style: chr4-8619599-C-G. GRCh37 (hg19) VCF-style: chr4-8621326-C-G.
Other names: c.1530C>G, p.Arg510= (NM_001014448.3); c.1908C>G, p.Arg636= (NM_003652.4); c.1941C>G (NM_001014447.2).
Identifiers: ClinVar variation 747260 (VCV000747260.28), dbSNP rs139764678, ClinGen allele CA2854183.